The following is an entry in ClinVar:

NM_001164665.2(KIAA1549):c.5008G>A (p.Ala1670Thr)

Gene: KIAA1549 (KIAA1549; minus strand). Cytogenetic location: 7q34.
Variant type: single nucleotide variant.
Coding change: c.5008G>A on transcript NM_001164665.2 (MANE Select); coding-DNA position 5008, G replaced by A.
Protein change: p.Ala1670Thr; replaces alanine 1670 with threonine.
Molecular consequence: missense variant.
Genome position (GRCh38, 1-based): chr7:138,861,378, C>T on the plus strand (G>A on the coding strand, the complement: KIAA1549 is on the minus strand). VCF-style: chr7-138861378-C-T. GRCh37 (hg19) VCF-style: chr7-138546124-C-T.
Other names: c.5008G>A, p.Ala1670Thr (NM_020910.3); short protein forms A1670T.
Identifiers: ClinVar variation 940494 (VCV000940494.7), dbSNP rs372568067, ClinGen allele CA4505674.

ClinVar aggregate classification (germline): Uncertain significance. Review status: criteria provided, multiple submitters, no conflicts (2 of 4 stars). 2 submissions from 2 submitters: Uncertain significance (2). Last evaluated 2024-12-16.

Allele frequency attached by ClinVar (database versions not stated): ExAC 0.00005; gnomAD exomes 0.00005 and 0.00020; ESP Exome Variant Server 0.00008; TOPMed 0.00009; gnomAD 0.00013 and 0.00014.
gnomAD v4.1: 319 of 1,611,012 alleles (0.02%); highest among the groups gnomAD compares: Non-Finnish European, 0.025%; no homozygotes.

Submissions (2):

Labcorp Genetics (formerly Invitae), Labcorp
Classification: Uncertain significance. Last evaluated: 2024-12-16. Review status: criteria provided, single submitter. Criteria: Invitae Variant Classification Sherloc (09022015). Collection method: clinical testing. Allele origin: germline.
Comment: This sequence change replaces alanine, which is neutral and non-polar, with threonine, which is neutral and polar, at codon 1670 of the KIAA1549 protein (p.Ala1670Thr). This variant is present in population databases (rs372568067, gnomAD 0.01%). This variant has not been reported in the literature in individuals affected with KIAA1549-related conditions. ClinVar contains an entry for this variant (Variation ID: 940494). An algorithm developed to predict the effect of missense changes on protein structure and function outputs the following: PolyPhen-2: "Benign". The threonine amino acid residue is found in multiple mammalian species, which suggests that this missense change does not adversely affect protein function. In summary, the available evidence is currently insufficient to determine the role of this variant in disease. Therefore, it has been classified as a Variant of Uncertain Significance.

Blueprint Genetics
Classification: Uncertain significance. Last evaluated: 2023-10-31. Review status: criteria provided, single submitter. Criteria: ACMG Guidelines, 2015. Collection method: clinical testing. Allele origin: germline.